The following is an entry in ClinVar:

NM_080424.4(SP110):c.145A>G (p.Met49Val)

Genes: SP110 (SP110 nuclear body protein; minus strand), SP140 (SP140 nuclear body protein; plus strand). Cytogenetic location: 2q37.1.
Variant type: single nucleotide variant.
Coding change: c.145A>G on transcript NM_080424.4 (MANE Select); coding-DNA position 145, A replaced by G.
Protein change: p.Met49Val; replaces methionine 49 with valine.
Molecular consequence: missense variant.
Genome position (GRCh38, 1-based): chr2:230,216,783, T>C on the plus strand (A>G on the coding strand, the complement: SP110 is on the minus strand). VCF-style: chr2-230216783-T-C. GRCh37 (hg19) VCF-style: chr2-231081498-T-C.
Other names: c.163A>G, p.Met55Val (NM_001185015.2, NM_001378442.1, NM_001378444.1 and 2 more transcripts); c.145A>G, p.Met49Val (NM_001378443.1, NM_001378447.1, NM_004509.5 and 1 more transcripts); short protein forms M55V, M49V.
Identifiers: ClinVar variation 3715001 (VCV003715001.1).

ClinVar aggregate classification (germline): Uncertain significance (1 of 4 stars; one submission).

Conditions:
Hepatic veno-occlusive disease-immunodeficiency syndrome. Also called: Hepatic Veno-Occlusive Disease with Immunodeficiency. Identifiers: Orphanet 79124, MedGen C1856128, MONDO:0009338, OMIM 235550. Disease mechanism: loss of function.

gnomAD v4.1: 11 of 1,613,914 alleles (0.00068%); highest among the groups gnomAD compares: Middle Eastern, 0.15%; no homozygotes.

Submission:

Labcorp Genetics (formerly Invitae), Labcorp
Classification: Uncertain significance for Hepatic veno-occlusive disease-immunodeficiency syndrome. Last evaluated: 2024-10-30. Review status: criteria provided, single submitter. Criteria: Invitae Variant Classification Sherloc (09022015). Collection method: clinical testing. Allele origin: germline.
Comment: This sequence change replaces methionine, which is neutral and non-polar, with valine, which is neutral and non-polar, at codon 49 of the SP110 protein (p.Met49Val). This variant is present in population databases (rs766140257, gnomAD no frequency). This variant has not been reported in the literature in individuals affected with SP110-related conditions. An algorithm developed to predict the effect of missense changes on protein structure and function (PolyPhen-2) suggests that this variant¬†is likely to be tolerated. Algorithms developed to predict the effect of sequence changes on RNA splicing suggest that this variant may create or strengthen a splice site. In summary, the available evidence is currently insufficient to determine the role of this variant in disease. Therefore, it has been classified as a Variant of Uncertain Significance.